The following is an entry in ClinVar:

NM_020964.3(EPG5):c.5026A>G (p.Ile1676Val)

Gene: EPG5 (ectopic P-granules 5 autophagy tethering factor; minus strand). Cytogenetic location: 18q12.3.
Variant type: single nucleotide variant.
Coding change: c.5026A>G on transcript NM_020964.3 (MANE Select); coding-DNA position 5026, A replaced by G.
Protein change: p.Ile1676Val; replaces isoleucine 1676 with valine.
Molecular consequence: missense variant.
Genome position (GRCh38, 1-based): chr18:45,887,834, T>C on the plus strand (A>G on the coding strand, the complement: EPG5 is on the minus strand). VCF-style: chr18-45887834-T-C. GRCh37 (hg19) VCF-style: chr18-43467799-T-C.
Other names: short protein forms I1676V.
Identifiers: ClinVar variation 845009 (VCV000845009.2), dbSNP rs2049251873, ClinGen allele CA402346323.

ClinVar aggregate classification (germline): Uncertain significance (1 of 4 stars; one submission).

Conditions:
Vici syndrome (VICIS). Identifiers: Orphanet 1493, MedGen C1855772, MONDO:0009452, OMIM 242840.

Submission:

Labcorp Genetics (formerly Invitae), Labcorp
Classification: Uncertain significance for Vici syndrome. Last evaluated: 2019-12-13. Review status: criteria provided, single submitter. Criteria: Invitae Variant Classification Sherloc (09022015). Collection method: clinical testing. Allele origin: germline.
Comment: This sequence change replaces isoleucine with valine at codon 1676 of the EPG5 protein (p.Ile1676Val). The isoleucine residue is moderately conserved and there is a small physicochemical difference between isoleucine and valine. This variant is not present in population databases (ExAC no frequency). This variant has not been reported in the literature in individuals with EPG5-related conditions. Algorithms developed to predict the effect of missense changes on protein structure and function output the following: SIFT: "Tolerated"; PolyPhen-2: "Benign"; Align-GVGD: "Class C0". The valine amino acid residue is found in multiple mammalian species, suggesting that this missense change does not adversely affect protein function. These predictions have not been confirmed by published functional studies and their clinical significance is uncertain. In summary, the available evidence is currently insufficient to determine the role of this variant in disease. Therefore, it has been classified as a Variant of Uncertain Significance.